The following is an entry in ClinVar:

NM_006940.6(SOX5):c.1856A>G (p.Lys619Arg)

Gene: SOX5 (SRY-box transcription factor 5; minus strand). Cytogenetic location: 12p12.1.
Variant type: single nucleotide variant.
Coding change: c.1856A>G on transcript NM_006940.6 (MANE Select); coding-DNA position 1856, A replaced by G.
Protein change: p.Lys619Arg; replaces lysine 619 with arginine.
Molecular consequence: missense variant.
Genome position (GRCh38, 1-based): chr12:23,536,585, T>C on the plus strand (A>G on the coding strand, the complement: SOX5 is on the minus strand). VCF-style: chr12-23536585-T-C. GRCh37 (hg19) VCF-style: chr12-23689519-T-C.
Other names: c.1493A>G, p.Lys498Arg (NM_001261414.3); c.1826A>G, p.Lys609Arg (NM_001261415.3); c.1751A>G, p.Lys584Arg (NM_001330785.2); c.1817A>G, p.Lys606Arg (NM_152989.5); c.698A>G, p.Lys233Arg (NM_178010.4); short protein forms K233R, K498R, K584R, K606R, K609R, K619R.
Identifiers: ClinVar variation 1172558 (VCV001172558.2), dbSNP rs1341736288, ClinGen allele CA384319461.
Genomic context (GRCh38, chr12:23,536,585, plus strand): 5'-TTTTTGCCATCCACCAGGCAGGTGCGCTTTGGCCTGGGCTTGTACTTATAGTCAGGGTAC[T>C]TCTCCAGGTGCTGCTTGCTGAGACGGGCTTGCTCCTCATAATATGGCTGTTTCTCTAGGT-3'
Protein context (NP_008871.3, residues 609-629): QARLSKQHLE[Lys619Arg]YPDYKYKPRP

ClinVar aggregate classification (germline): Uncertain significance. Review status: criteria provided, multiple submitters, no conflicts (2 of 4 stars). 2 submissions from 2 submitters: Uncertain significance (2). Last evaluated 2022-05-16.

Conditions:
Lamb-Shaffer syndrome. Identifiers: Orphanet 313884, Orphanet 313892, Orphanet 530983, MedGen C4225202, MONDO:0014778, OMIM 616803.

Allele frequency attached by ClinVar (database versions not stated): gnomAD exomes below 0.00001; TOPMed below 0.00001.
gnomAD v4.1: 1 of 1,614,174 alleles (0.000062%); highest among the groups gnomAD compares: Non-Finnish European, 0.000085%; no homozygotes.

Submissions (2):

Institute of Human Genetics, University of Leipzig Medical Center
Classification: Uncertain significance for Lamb-Shaffer syndrome. Last evaluated: 2022-05-16. Review status: criteria provided, single submitter. Criteria: ACMG Guidelines, 2015. Collection method: clinical testing. Allele origin: unknown. Affected: yes.
Comment: _x000D_ Criteria applied: PM1, PM2_SUP, PP3

HudsonAlpha Institute for Biotechnology
Classification: Uncertain significance for Lamb-Shaffer syndrome. Last evaluated: 2021-05-26. Review status: criteria provided, single submitter. Criteria: ACMG Guidelines, 2015. Collection method: research. Allele origin: inherited. Observed: 1 variant allele. Study: CSER-SouthSeq.
Comment: ACMG codes:PM1; PM2; PP3